The following is an entry in ClinVar:

ClinVar aggregate classification (germline): Uncertain significance (1 of 4 stars; one submission).

Conditions:
Inborn genetic diseases. Identifiers: MedGen C0950123, MeSH D030342.

Submission:

Ambry Genetics
Classification: Uncertain significance for Inborn genetic diseases. Last evaluated: 2026-03-10. Review status: criteria provided, single submitter. Criteria: Ambry Variant Classification Scheme 2023. Collection method: clinical testing. Allele origin: germline.
Comment: The p.R375S variant (also known as c.1125A>T), located in coding exon 5 of the PIK3CA gene, results from an A to T substitution at nucleotide position 1125. The arginine at codon 375 is replaced by serine, an amino acid with dissimilar properties. This amino acid position is conserved. In addition, the in silico prediction for this alteration is inconclusive. Based on the available evidence, the clinical significance of this variant remains unclear.

NM_006218.4(PIK3CA):c.1125A>T (p.Arg375Ser)

Gene: PIK3CA (phosphatidylinositol-4,5-bisphosphate 3-kinase catalytic subunit alpha; plus strand). Cytogenetic location: 3q26.32.
Variant type: single nucleotide variant.
Coding change: c.1125A>T on transcript NM_006218.4 (MANE Select); coding-DNA position 1125, A replaced by T.
Protein change: p.Arg375Ser; replaces arginine 375 with serine.
Molecular consequence: missense variant.
Genome position (GRCh38, 1-based): chr3:179,204,568, A>T. VCF-style: chr3-179204568-A-T. GRCh37 (hg19) VCF-style: chr3-178922356-A-T.
Other names: short protein forms R375S.
Identifiers: ClinVar variation 4827507 (VCV004827507.1).